The following is an entry in ClinVar:

NM_002137.4(HNRNPA2B1):c.203C>G (p.Ala68Gly)

Gene: HNRNPA2B1 (heterogeneous nuclear ribonucleoprotein A2/B1; minus strand). Cytogenetic location: 7p15.2.
Variant type: single nucleotide variant.
Coding change: c.203C>G on transcript NM_002137.4 (MANE Select); coding-DNA position 203, C replaced by G.
Protein change: p.Ala68Gly; replaces alanine 68 with glycine.
Molecular consequence: missense variant.
Genome position (GRCh38, 1-based): chr7:26,197,376, G>C on the plus strand (C>G on the coding strand, the complement: HNRNPA2B1 is on the minus strand). VCF-style: chr7-26197376-G-C. GRCh37 (hg19) VCF-style: chr7-26236996-G-C.
Other names: c.239C>G, p.Ala80Gly (NM_031243.4); short protein forms A80G, A68G.
Identifiers: ClinVar variation 1497669 (VCV001497669.8), dbSNP rs1583995662, ClinGen allele CA367081485.

ClinVar aggregate classification (germline): Uncertain significance (1 of 4 stars; one submission).

Conditions:
Inclusion body myopathy with early-onset Paget disease with or without frontotemporal dementia 2 (IBMPFD2). Also called: MULTISYSTEM PROTEINOPATHY 2. Identifiers: MedGen C3809468, MONDO:0014178, OMIM 615422.

Allele frequency attached by ClinVar (database versions not stated): gnomAD exomes below 0.00001.
gnomAD v4.1: 1 of 1,613,998 alleles (0.000062%); highest among the groups gnomAD compares: Non-Finnish European, 0.000085%; no homozygotes.

Submission:

Labcorp Genetics (formerly Invitae), Labcorp
Classification: Uncertain significance for Inclusion body myopathy with early-onset Paget disease with or without frontotemporal dementia 2. Last evaluated: 2021-07-01. Review status: criteria provided, single submitter. Criteria: Invitae Variant Classification Sherloc (09022015). Collection method: clinical testing. Allele origin: germline.
Comment: Algorithms developed to predict the effect of missense changes on protein structure and function (SIFT, PolyPhen-2, Align-GVGD) all suggest that this variant is likely to be disruptive, but these predictions have not been confirmed by published functional studies and their clinical significance is uncertain. In summary, the available evidence is currently insufficient to determine the role of this variant in disease. Therefore, it has been classified as a Variant of Uncertain Significance. This variant has not been reported in the literature in individuals with HNRNPA2B1-related conditions. This variant is not present in population databases (ExAC no frequency). This sequence change replaces alanine with glycine at codon 80 of the HNRNPA2B1 protein (p.Ala80Gly). The alanine residue is highly conserved and there is a small physicochemical difference between alanine and glycine.